The following is an entry in ClinVar:

NM_144666.3(DNHD1):c.1969G>T (p.Ala657Ser)

Gene: DNHD1 (dynein heavy chain domain 1; plus strand). Cytogenetic location: 11p15.4.
Variant type: single nucleotide variant.
Coding change: c.1969G>T on transcript NM_144666.3 (MANE Select); coding-DNA position 1969, G replaced by T.
Protein change: p.Ala657Ser; replaces alanine 657 with serine.
Molecular consequence: missense variant.
Genome position (GRCh38, 1-based): chr11:6,528,653, G>T. VCF-style: chr11-6528653-G-T. GRCh37 (hg19) VCF-style: chr11-6549883-G-T.
Other names: short protein forms A657S.
Identifiers: ClinVar variation 3044163 (VCV003044163.2), dbSNP rs2494007047, ClinGen allele CA379399844.
Genomic context (GRCh38, chr11:6,528,653, plus strand): 5'-GTGAGCATCTTCTGTGGCCCGAATGTGGGATTGGTGTGGCCCTGGAAGTCTCACCCAATT[G>T]CTGGTATCTTGGAGGTCCGTGGATGTCGGCTGCGGGGCCAATACTTCCCCCACAATTATA-3'
Protein context (NP_653267.2, residues 647-667): LVWPWKSHPI[Ala657Ser]GILEVRGCRL

ClinVar aggregate classification (germline): Uncertain significance (0 of 4 stars; one submission).

Conditions:
DNHD1-related disorder. Also called: DNHD1-related condition.

gnomAD v4.1: 1 of 1,551,744 alleles (0.000064%); no homozygotes.

Submission:

PreventionGenetics, part of Exact Sciences
Classification: Uncertain significance for DNHD1-related condition. Last evaluated: 2023-11-29. Review status: no assertion criteria provided. Collection method: clinical testing. Allele origin: germline.
Comment: The DNHD1 c.1969G>T variant is predicted to result in the amino acid substitution p.Ala657Ser. To our knowledge, this variant has not been reported in the literature or in a large population database, indicating this variant is rare. At this time, the clinical significance of this variant is uncertain due to the absence of conclusive functional and genetic evidence.